The following is an entry in ClinVar:

ClinVar aggregate classification (germline): Uncertain significance (1 of 4 stars; one submission).

Conditions:
Multiple congenital anomalies-hypotonia-seizures syndrome 1 (MCAHS1). Also called: GLYCOSYLPHOSPHATIDYLINOSITOL BIOSYNTHESIS DEFECT 3; PIGN-CDG; Congenital disorder of glycosylation due to PIGN deficiency. Identifiers: Orphanet 280633, MedGen C3279775, MONDO:0013563, OMIM 614080.

Submission:

Labcorp Genetics (formerly Invitae), Labcorp
Classification: Uncertain significance for Multiple congenital anomalies-hypotonia-seizures syndrome 1. Last evaluated: 2022-10-11. Review status: criteria provided, single submitter. Criteria: Invitae Variant Classification Sherloc (09022015). Collection method: clinical testing. Allele origin: germline.
Comment: This sequence change replaces leucine, which is neutral and non-polar, with proline, which is neutral and non-polar, at codon 2 of the PIGN protein (p.Leu2Pro). This variant is not present in population databases (gnomAD no frequency). This variant has not been reported in the literature in individuals affected with PIGN-related conditions. ClinVar contains an entry for this variant (Variation ID: 1402615). Advanced modeling of protein sequence and biophysical properties (such as structural, functional, and spatial information, amino acid conservation, physicochemical variation, residue mobility, and thermodynamic stability) performed at Invitae indicates that this missense variant is not expected to disrupt PIGN protein function. In summary, the available evidence is currently insufficient to determine the role of this variant in disease. Therefore, it has been classified as a Variant of Uncertain Significance.

NM_176787.5(PIGN):c.5T>C (p.Leu2Pro)

Gene: PIGN (phosphatidylinositol glycan anchor biosynthesis class N; minus strand). Cytogenetic location: 18q21.33.
Variant type: single nucleotide variant.
Coding change: c.5T>C on transcript NM_176787.5 (MANE Select); coding-DNA position 5, T replaced by C.
Protein change: p.Leu2Pro; replaces leucine 2 with proline.
Molecular consequence: missense variant.
Genome position (GRCh38, 1-based): chr18:62,161,349, A>G on the plus strand (T>C on the coding strand, the complement: PIGN is on the minus strand). VCF-style: chr18-62161349-A-G. GRCh37 (hg19) VCF-style: chr18-59828582-A-G.
Other names: c.5T>C, p.Leu2Pro (NM_012327.6); short protein forms L2P.
Identifiers: ClinVar variation 1402615 (VCV001402615.5), dbSNP rs1376351498, ClinGen allele CA402604856.